The following is an entry in ClinVar:

ClinVar aggregate classification (germline): Likely pathogenic (1 of 4 stars; one submission).

Conditions:
Neuromuscular disease caused by qualitative or quantitative defects of dysferlin. Also called: Dysferlinopathy; Qualitative or quantitative defects of dysferlin. Identifiers: Orphanet 207073, MedGen C2931687, MONDO:0016145.

Submission:

Labcorp Genetics (formerly Invitae), Labcorp
Classification: Likely pathogenic for Neuromuscular disease caused by qualitative or quantitative defects of dysferlin. Last evaluated: 2024-09-04. Review status: criteria provided, single submitter. Criteria: Invitae Variant Classification Sherloc (09022015). Collection method: clinical testing. Allele origin: germline.
Comment: This sequence change affects an acceptor splice site in intron 36 of the DYSF gene. It is expected to disrupt RNA splicing. Variants that disrupt the donor or acceptor splice site typically lead to a loss of protein function (PMID: 16199547), and loss-of-function variants in DYSF are known to be pathogenic (PMID: 17698709, 20301480). This variant is not present in population databases (gnomAD no frequency). This variant has not been reported in the literature in individuals affected with DYSF-related conditions. ClinVar contains an entry for this variant (Variation ID: 2150131). Algorithms developed to predict the effect of sequence changes on RNA splicing suggest that this variant may disrupt the consensus splice site. In summary, the currently available evidence indicates that the variant is pathogenic, but additional data are needed to prove that conclusively. Therefore, this variant has been classified as Likely Pathogenic.

Literature cited by the submitters: PubMed 16199547; PubMed 17698709; PubMed 20301480.

NM_001130987.2(DYSF):c.3958-1G>A

Gene: DYSF (dysferlin; plus strand). Cytogenetic location: 2p13.2.
Variant type: single nucleotide variant.
Coding change: c.3958-1G>A on transcript NM_001130987.2 (MANE Select); the canonical splice acceptor site of the intron before coding-DNA position 3958, G replaced by A.
Molecular consequence: splice acceptor variant.
Genome position (GRCh38, 1-based): chr2:71,611,244, G>A. VCF-style: chr2-71611244-G-A. GRCh37 (hg19) VCF-style: chr2-71838374-G-A.
Other names: c.3997-1G>A (NM_001130979.2); c.3955-1G>A (NM_001130981.2, NM_001130980.2); c.3904-1G>A (NM_001130978.2, NM_003494.4); c.3862-1G>A (NM_001130977.2, NM_001130976.2); c.4000-1G>A (NM_001130982.2); c.3958-1G>A (NM_001130985.2); c.3907-1G>A (NM_001130983.2, NM_001130455.2); c.3865-1G>A (NM_001130984.2, NM_001130986.2).
Identifiers: ClinVar variation 2150131 (VCV002150131.4), dbSNP rs2546125695, ClinGen allele CA347227973.